The following is an entry in ClinVar:

ClinVar aggregate classification (germline): Uncertain significance (1 of 4 stars; one submission).

Conditions:
Inborn genetic diseases. Identifiers: MedGen C0950123, MeSH D030342.

gnomAD v4.1: 1 of 1,521,496 alleles (0.000066%); highest among the groups gnomAD compares: Non-Finnish European, 0.000088%; no homozygotes.

Submission:

Ambry Genetics
Classification: Uncertain significance for Inborn genetic diseases. Last evaluated: 2026-04-04. Review status: criteria provided, single submitter. Criteria: Ambry Variant Classification Scheme 2023. Collection method: clinical testing. Allele origin: germline.
Comment: The p.A122P variant (also known as c.364G>C), located in coding exon 5 of the RECQL4 gene, results from a G to C substitution at nucleotide position 364. The alanine at codon 122 is replaced by proline, an amino acid with highly similar properties. This amino acid position is conserved. In addition, this alteration is predicted to be tolerated by in silico analysis. Based on the available evidence, the clinical significance of this variant remains unclear.

NM_004260.4(RECQL4):c.364G>C (p.Ala122Pro)

Gene: RECQL4 (RecQ like helicase 4; minus strand). Cytogenetic location: 8q24.3.
Variant type: single nucleotide variant.
Coding change: c.364G>C on transcript NM_004260.4 (MANE Select); coding-DNA position 364, G replaced by C.
Protein change: p.Ala122Pro; replaces alanine 122 with proline.
Molecular consequence: missense variant. On other transcripts: 5 prime UTR variant (13), non-coding transcript variant (3), intron variant (5).
Genome position (GRCh38, 1-based): chr8:144,516,755, C>G on the plus strand (G>C on the coding strand, the complement: RECQL4 is on the minus strand). VCF-style: chr8-144516755-C-G. GRCh37 (hg19) VCF-style: chr8-145742139-C-G.
Other names: c.364G>C, p.Ala122Pro (NM_001413017.1, NM_001413018.1, NM_001413019.1 and 4 more transcripts); c.-708G>C (NM_001413022.1, NM_001413023.1, NM_001413037.1 and 3 more transcripts); c.235G>C, p.Ala79Pro (NM_001413025.1); c.-770G>C (NM_001413027.1, NM_001413030.1, NM_001413031.1 and 1 more transcripts); c.-433G>C (NM_001413028.1); c.-612G>C (NM_001413034.1); c.-977G>C (NM_001413043.1); c.354+295G>C (NM_001413029.1); and 3 more; short protein forms A122P, A79P.
Identifiers: ClinVar variation 4863161 (VCV004863161.1).